The following is an entry in ClinVar:

ClinVar aggregate classification (germline): Uncertain significance (1 of 4 stars; one submission).

Allele frequency attached by ClinVar (database versions not stated): gnomAD exomes below 0.00001.
gnomAD v4.1: 1 of 1,424,140 alleles (0.00007%); highest among the groups gnomAD compares: Non-Finnish European, 0.000091%; no homozygotes.

Submission:

Labcorp Genetics (formerly Invitae), Labcorp
Classification: Uncertain significance. Last evaluated: 2022-04-22. Review status: criteria provided, single submitter. Criteria: Invitae Variant Classification Sherloc (09022015). Collection method: clinical testing. Allele origin: germline.
Comment: In summary, the available evidence is currently insufficient to determine the role of this variant in disease. Therefore, it has been classified as a Variant of Uncertain Significance. Advanced modeling of protein sequence and biophysical properties (such as structural, functional, and spatial information, amino acid conservation, physicochemical variation, residue mobility, and thermodynamic stability) performed at Invitae indicates that this missense variant is not expected to disrupt ARID1A protein function. This sequence change replaces serine, which is neutral and polar, with leucine, which is neutral and non-polar, at codon 264 of the ARID1A protein (p.Ser264Leu). This variant is not present in population databases (gnomAD no frequency). This variant has not been reported in the literature in individuals affected with ARID1A-related conditions.

NM_006015.6(ARID1A):c.791C>T (p.Ser264Leu)

Genes: ARID1A (AT-rich interaction domain 1A; plus strand), LOC129929837 (ATAC-STARR-seq lymphoblastoid silent region 489; plus strand). Cytogenetic location: 1p36.11.
Variant type: single nucleotide variant.
Coding change: c.791C>T on transcript NM_006015.6 (MANE Select); coding-DNA position 791, C replaced by T.
Protein change: p.Ser264Leu; replaces serine 264 with leucine.
Molecular consequence: missense variant.
Genome position (GRCh38, 1-based): chr1:26,697,194, C>T. VCF-style: chr1-26697194-C-T. GRCh37 (hg19) VCF-style: chr1-27023685-C-T.
Other names: c.791C>T, p.Ser264Leu (NM_139135.4); short protein forms S264L.
Identifiers: ClinVar variation 2129458 (VCV002129458.4), dbSNP rs2124743589, ClinGen allele CA339266418.